The following is an entry in ClinVar:

NM_001267550.2(TTN):c.79862C>A (p.Thr26621Lys)

Genes: TTN (titin; minus strand), TTN-AS1 (TTN antisense RNA 1; plus strand). Cytogenetic location: 2q31.2.
Variant type: single nucleotide variant.
Coding change: c.79862C>A on transcript NM_001267550.2 (MANE Select); coding-DNA position 79862, C replaced by A.
Protein change: p.Thr26621Lys; replaces threonine 26621 with lysine.
Molecular consequence: missense variant.
Genome position (GRCh38, 1-based): chr2:178,566,270, G>T on the plus strand (C>A on the coding strand, the complement: TTN is on the minus strand). VCF-style: chr2-178566270-G-T. GRCh37 (hg19) VCF-style: chr2-179430997-G-T.
Other names: c.74939C>A, p.Thr24980Lys (NM_001256850.1); c.52667C>A, p.Thr17556Lys (NM_003319.4); c.72158C>A, p.Thr24053Lys (NM_133378.4); c.53042C>A, p.Thr17681Lys (NM_133432.3); c.53243C>A, p.Thr17748Lys (NM_133437.4); short protein forms T24053K, T26621K, T24980K, T17681K, T17556K, T17748K.
Identifiers: ClinVar variation 192203 (VCV000192203.13), dbSNP rs3731746, ClinGen allele CA200073.

ClinVar aggregate classification (germline): Conflicting classifications of pathogenicity. Review status: criteria provided, conflicting classifications (1 of 4 stars). 12 submissions from 8 submitters: Uncertain significance (9); Benign (1); Likely benign (2). Last evaluated 2025-11-18.

Conditions:
TTN-related disorder. Also called: TTN-related condition; TTN-related disease; TTN-related disorders.
Dilated cardiomyopathy 1G (CMD1G). Identifiers: Orphanet 154, MedGen C1858763, MONDO:0011400, OMIM 604145.
Autosomal recessive limb-girdle muscular dystrophy type 2J (LGMDR10). Also called: Limb-girdle muscular dystrophy, type 2J; MUSCULAR DYSTROPHY, LIMB-GIRDLE, AUTOSOMAL RECESSIVE 10. Identifiers: Orphanet 140922, MedGen C1837342, MONDO:0012127, OMIM 608807.
Tibial muscular dystrophy (TMD). Also called: Udd Distal Myopathy – Tibial Muscular Dystrophy; UDD MYOPATHY; Tibial muscular dystrophy, tardive. Identifiers: Orphanet 609, MedGen C1838244, MONDO:0010870, OMIM 600334.
Early-onset myopathy with fatal cardiomyopathy (CMYO5). Also called: CONGENITAL MYOPATHY 5 WITH CARDIOMYOPATHY; Salih Myopathy. Identifiers: Orphanet 289377, MedGen C2673677, MONDO:0012714, OMIM 611705. Disease mechanism: loss of function.
Myopathy, myofibrillar, 9, with early respiratory failure (MFM9). Also called: Hereditary myopathy with early respiratory failure; EDSTROM MYOPATHY; MYOPATHY, PROXIMAL, WITH EARLY RESPIRATORY MUSCLE INVOLVEMENT; Myopathy, distal, with early respiratory failure, autosomal dominant. Identifiers: Orphanet 178464, Orphanet 34521, MedGen C1863599, MONDO:0011362, OMIM 603689.

Allele frequency attached by ClinVar (database versions not stated): 1000 Genomes Project 30x 0.00016.
gnomAD v4.1: 53 of 1,613,500 alleles (0.0033%); highest among the groups gnomAD compares: Admixed American, 0.01%; no homozygotes.

Submissions (12):

PreventionGenetics, part of Exact Sciences
Classification: Uncertain significance for TTN-related condition. Last evaluated: 2025-11-18. Review status: criteria provided, single submitter. Criteria: ACMG Guidelines, 2015. Collection method: clinical testing. Allele origin: germline.
Comment: The TTN c.79862C>A variant is predicted to result in the amino acid substitution p.Thr26621Lys. To our knowledge, this variant has not been reported in the literature. An alternate nucleotide change resulting in the same amino acid substitution has been reported in a large cohort study; however, no case-level clinical information was provided (referred to as NM_133378.4:c.72157C>A; p.Thr24053Lys, Supplemental table 3, Ng et al. 2013. PubMed ID: 23861362). This variant is reported in 0.020% of alleles in individuals of Latino descent in gnomAD. At this time, the clinical significance of this variant is uncertain due to the absence of conclusive functional and genetic evidence.

Molecular Diagnostic Laboratory for Inherited Cardiovascular Disease, Montreal Heart Institute
Classification: Likely benign. Last evaluated: 2025-04-09. Review status: criteria provided, single submitter. Criteria: ACMG Guidelines, 2015. Collection method: clinical testing. Allele origin: germline. Affected: no.

Women's Health and Genetics/Laboratory Corporation of America, LabCorp
Classification: Uncertain significance. Last evaluated: 2024-08-22. Review status: criteria provided, single submitter. Criteria: LabCorp Variant Classification Summary - May 2015. Collection method: clinical testing. Allele origin: germline.
Comment: Variant summary: TTN c.72158C>A (p.Thr24053Lys) results in a non-conservative amino acid change located in the A-band domain of the encoded protein sequence. Two of three in-silico tools predict a benign effect of the variant on protein function. The variant allele was found at a frequency of 4.4e-05 in 248856 control chromosomes. This frequency is not significantly higher than estimated for a pathogenic variant in TTN causing Limb-Girdle Muscular Dystrophy, Type 2J, allowing no conclusion about variant significance. To our knowledge, no occurrence of c.72158C>A in individuals affected with Limb-Girdle Muscular Dystrophy, Type 2J and no experimental evidence demonstrating its impact on protein function have been reported. ClinVar contains an entry for this variant (Variation ID: 192203). Based on the evidence outlined above, the variant was classified as uncertain significance.

GeneDx
Classification: Likely benign. Last evaluated: 2020-11-16. Review status: criteria provided, single submitter. Criteria: GeneDx Variant Classification Process June 2021. Collection method: clinical testing. Allele origin: germline. Affected: yes.

Revvity Omics, Revvity
Classification: Uncertain significance. Last evaluated: 2020-10-14. Review status: criteria provided, single submitter. Criteria: ACMG Guidelines, 2015. Collection method: clinical testing. Allele origin: germline.

Labcorp Genetics (formerly Invitae), Labcorp
Classification: Uncertain significance for Dilated cardiomyopathy 1G; Autosomal recessive limb-girdle muscular dystrophy type 2J. Last evaluated: 2017-12-28. Review status: criteria provided, single submitter. Criteria: Invitae Variant Classification Sherloc (09022015). Collection method: clinical testing. Allele origin: germline.

Illumina Laboratory Services, Illumina
Classification: Uncertain significance for Myopathy, myofibrillar, 9, with early respiratory failure. Last evaluated: 2017-04-28. Review status: criteria provided, single submitter. Criteria: ICSL Variant Classification Criteria 13 December 2019. Collection method: clinical testing. Allele origin: germline.

Illumina Laboratory Services, Illumina
Classification: Uncertain significance for Early-onset myopathy with fatal cardiomyopathy. Last evaluated: 2017-04-28. Review status: criteria provided, single submitter. Criteria: ICSL Variant Classification Criteria 13 December 2019. Collection method: clinical testing. Allele origin: germline.

Illumina Laboratory Services, Illumina
Classification: Uncertain significance for Autosomal recessive limb-girdle muscular dystrophy type 2J. Last evaluated: 2017-04-28. Review status: criteria provided, single submitter. Criteria: ICSL Variant Classification Criteria 13 December 2019. Collection method: clinical testing. Allele origin: germline.

Illumina Laboratory Services, Illumina
Classification: Uncertain significance for Tibial muscular dystrophy. Last evaluated: 2017-04-28. Review status: criteria provided, single submitter. Criteria: ICSL Variant Classification Criteria 13 December 2019. Collection method: clinical testing. Allele origin: germline.

Illumina Laboratory Services, Illumina
Classification: Uncertain significance for Dilated cardiomyopathy 1G. Last evaluated: 2017-04-28. Review status: criteria provided, single submitter. Criteria: ICSL Variant Classification Criteria 13 December 2019. Collection method: clinical testing. Allele origin: germline.

Biesecker Lab/Clinical Genomics Section, National Institutes of Health
Classification: Benign. Last evaluated: 2013-06-24. Review status: criteria provided, single submitter. Criteria: Ng et al. (Circ Cardiovasc Genet. 2013). Collection method: research. Allele origin: unknown. Observed: 1 variant allele. Study: ClinSeq.
Comment: The study set was not selected for affection status in relation to any cancer. Pathogenicity categories were based on literature curation. See Pubmed ID:23861362 for details.

Medical sequencing